The following is an entry in ClinVar:

NM_007098.4(CLTCL1):c.3584A>G (p.Asn1195Ser)

Gene: CLTCL1 (clathrin heavy chain like 1; minus strand). Cytogenetic location: 22q11.21.
Variant type: single nucleotide variant.
Coding change: c.3584A>G on transcript NM_007098.4 (MANE Select); coding-DNA position 3584, A replaced by G.
Protein change: p.Asn1195Ser; replaces asparagine 1195 with serine.
Molecular consequence: missense variant.
Genome position (GRCh38, 1-based): chr22:19,208,170, T>C on the plus strand (A>G on the coding strand, the complement: CLTCL1 is on the minus strand). VCF-style: chr22-19208170-T-C. GRCh37 (hg19) VCF-style: chr22-19195680-T-C.
Other names: p.Asn1195Ser; c.3584A>G, p.Asn1195Ser (NM_001835.4); short protein forms N1195S.
Identifiers: ClinVar variation 3059665 (VCV003059665.3), dbSNP rs807547, ClinGen allele CA10098060.

ClinVar aggregate classification (germline): Benign. Review status: criteria provided, single submitter (1 of 4 stars). 2 submissions from 2 submitters: Benign (1). 1 of the submissions does not count toward it. Last evaluated 2022-03-24.

Conditions:
CLTCL1-related disorder. Also called: CLTCL1-related condition.

Allele frequency attached by ClinVar (database versions not stated): 1000 Genomes Project 30x 0.05091; gnomAD exomes 0.06635; TOPMed 0.06237; 1000 Genomes Project 0.05092; ESP Exome Variant Server 0.05739; gnomAD 0.05900; ExAC 0.06485.
gnomAD v4.1: 105,715 of 1,613,788 alleles (6.6%); highest among the groups gnomAD compares: Middle Eastern, 11%; 3,704 homozygotes.

Submissions (2):

Mayo Clinic Laboratories, Mayo Clinic
Classification: Benign. Last evaluated: 2022-03-24. Review status: criteria provided, single submitter. Criteria: ACMG Guidelines, 2015. Collection method: clinical testing. Allele origin: germline. Observed: 110 variant alleles.

PreventionGenetics, part of Exact Sciences
Classification: Benign for CLTCL1-related condition. Last evaluated: 2019-03-27. Review status: no assertion criteria provided. Collection method: clinical testing. Allele origin: germline. Not counted in ClinVar's aggregate classification.
Comment: This variant is classified as benign based on ACMG/AMP sequence variant interpretation guidelines (Richards et al. 2015 PMID: 25741868, with internal and published modifications).